The following is an entry in ClinVar:

ClinVar aggregate classification (germline): Likely benign (1 of 4 stars; one submission).

Submission:

CeGaT Center for Human Genetics Tuebingen
Classification: Likely benign. Last evaluated: 2025-09-01. Review status: criteria provided, single submitter. Criteria: CeGaT Center For Human Genetics Tuebingen Variant Classification Criteria Version 2. Collection method: clinical testing. Allele origin: germline. Affected: yes. Observed: 1 variant allele.
Comment: SHANK3: PM2:Supporting, BP4, BP7

NM_001372044.2(SHANK3):c.3249G>T (p.Ala1083=)

Gene: SHANK3 (SH3 and multiple ankyrin repeat domains 3; plus strand). Cytogenetic location: 22q13.33.
Variant type: single nucleotide variant.
Coding change: c.3249G>T on transcript NM_001372044.2 (MANE Select); coding-DNA position 3249, G replaced by T.
Protein change: p.Ala1083=; no amino-acid change (alanine 1083 retained).
Molecular consequence: synonymous variant.
Genome position (GRCh38, 1-based): chr22:50,720,857, G>T. VCF-style: chr22-50720857-G-T. GRCh37 (hg19) VCF-style: chr22-51159285-G-T.
Identifiers: ClinVar variation 4280980 (VCV004280980.7).